The following is an entry in ClinVar:

ClinVar aggregate classification (germline): Uncertain significance. Review status: criteria provided, multiple submitters, no conflicts (2 of 4 stars). 2 submissions from 2 submitters: Uncertain significance (2). Last evaluated 2024-06-21.

Allele frequency attached by ClinVar (database versions not stated): gnomAD 0.00001; gnomAD exomes 0.00001; TOPMed 0.00001; ESP Exome Variant Server 0.00008.
gnomAD v4.1: 12 of 1,614,088 alleles (0.00074%); highest among the groups gnomAD compares: Non-Finnish European, 0.001%; no homozygotes.

Submissions (2):

Ambry Genetics
Classification: Uncertain significance. Last evaluated: 2024-06-21. Review status: criteria provided, single submitter. Criteria: Ambry Variant Classification Scheme 2023. Collection method: clinical testing. Allele origin: germline.
Comment: The p.F422S variant (also known as c.1265T>C), located in coding exon 9 of the RINT1 gene, results from a T to C substitution at nucleotide position 1265. The phenylalanine at codon 422 is replaced by serine, an amino acid with highly dissimilar properties. This amino acid position is conserved. In addition, this alteration is predicted to be tolerated by in silico analysis. Since supporting evidence is limited at this time, the clinical significance of this alteration remains unclear.

Labcorp Genetics (formerly Invitae), Labcorp
Classification: Uncertain significance. Last evaluated: 2017-04-02. Review status: criteria provided, single submitter. Criteria: Invitae Variant Classification Sherloc (09022015). Collection method: clinical testing. Allele origin: germline.
Comment: In summary, this variant is a novel missense change with uncertain impact on protein function. It has been classified as a Variant of Uncertain Significance. Algorithms developed to predict the effect of missense changes on protein structure and function do not agree on the potential impact of this missense change (SIFT: "Deleterious"; PolyPhen-2: "Benign"; Align-GVGD: "Class C0"). This variant is not present in population databases (ExAC no frequency) and has not been reported in the literature in individuals with a RINT1-related disease. This sequence change replaces phenylalanine with serine at codon 422 of the RINT1 protein (p.Phe422Ser). The phenylalanine residue is highly conserved and there is a large physicochemical difference between phenylalanine and serine.

NM_021930.6(RINT1):c.1265T>C (p.Phe422Ser)

Gene: RINT1 (RAD50 interactor 1; plus strand). Cytogenetic location: 7q22.3.
Variant type: single nucleotide variant.
Coding change: c.1265T>C on transcript NM_021930.6 (MANE Select); coding-DNA position 1265, T replaced by C.
Protein change: p.Phe422Ser; replaces phenylalanine 422 with serine.
Molecular consequence: missense variant. On other transcripts: non-coding transcript variant (1).
Genome position (GRCh38, 1-based): chr7:105,550,418, T>C. VCF-style: chr7-105550418-T-C. GRCh37 (hg19) VCF-style: chr7-105190865-T-C.
Other names: c.1031T>C, p.Phe344Ser (NM_001346599.2); c.242T>C, p.Phe81Ser (NM_001346600.2, NM_001346603.2); c.341T>C, p.Phe114Ser (NM_001346601.2); short protein forms F114S, F344S, F422S, F81S.
Identifiers: ClinVar variation 1054749 (VCV001054749.12), dbSNP rs367670078, ClinGen allele CA164057650.
Genomic context (GRCh38, chr7:105,550,418, plus strand): 5'-TGGATGAAGTACTCTTGTTTGAAAGGGAGCTACACAGTGTTCATGGCTATCCTGGCACTT[T>C]TGCTAGTTGTATGCATATTCTATCAGAGGAAACCTGTTTTCAGAGATGGTTGACGGTGGA-3'
Protein context (NP_068749.3, residues 412-432): LHSVHGYPGT[Phe422Ser]ASCMHILSEE